The following is an entry in ClinVar:

ClinVar aggregate classification (germline): Likely pathogenic (1 of 4 stars; one submission).

Conditions:
Cardiovascular phenotype. Identifiers: MedGen CN230736.

Submission:

Ambry Genetics
Classification: Likely pathogenic for Cardiovascular phenotype. Last evaluated: 2022-08-25. Review status: criteria provided, single submitter. Criteria: Ambry Variant Classification Scheme 2023. Collection method: clinical testing. Allele origin: germline.
Comment: The p.Y18402* variant (also known as c.55206T>G), located in coding exon 153 of the TTN gene, results from a T to G substitution at nucleotide position 55206. This changes the amino acid from a tyrosine to a stop codon within coding exon 153. This exon is located in the A-band region of the N2-B isoform of the titin protein and is constitutively expressed in TTN transcripts (percent spliced in or PSI 100%). This variant is considered to be rare based on population cohorts in the Genome Aggregation Database (gnomAD). This alteration is expected to result in loss of function by premature protein truncation or nonsense-mediated mRNA decay. While truncating variants in TTN are present in 1-3% of the general population, truncating variants in the A-band are the most common cause of dilated cardiomyopathy (DCM) (Herman DS et al. N. Engl. J. Med., 2012 Feb;366:619-28; Roberts AM et al. Sci Transl Med, 2015 Jan;7:270ra6). TTN truncating variants encoded in constitutive exons (PSI >90%) have been found to be significantly associated with DCM regardless of their position in titin (Schafer S et al. Nat. Genet., 2017 01;49:46-53). Based on the majority of available evidence to date, this variant is likely to be pathogenic.

NM_001267550.2(TTN):c.82401T>G (p.Tyr27467Ter)

Genes: TTN (titin; minus strand), TTN-AS1 (TTN antisense RNA 1; plus strand). Cytogenetic location: 2q31.2.
Variant type: single nucleotide variant.
Coding change: c.82401T>G on transcript NM_001267550.2 (MANE Select); coding-DNA position 82401, T replaced by G.
Protein change: p.Tyr27467Ter; replaces tyrosine 27467 with a stop codon.
Molecular consequence: nonsense.
Genome position (GRCh38, 1-based): chr2:178,563,731, A>C on the plus strand (T>G on the coding strand, the complement: TTN is on the minus strand). VCF-style: chr2-178563731-A-C. GRCh37 (hg19) VCF-style: chr2-179428458-A-C.
Other names: c.77478T>G, p.Tyr25826Ter (NM_001256850.1); c.55206T>G, p.Tyr18402Ter (NM_003319.4); c.74697T>G, p.Tyr24899Ter (NM_133378.4); c.55581T>G, p.Tyr18527Ter (NM_133432.3); c.55782T>G, p.Tyr18594Ter (NM_133437.4); short protein forms Y18594*, Y27467*, Y24899*, Y25826*, Y18527*, Y18402*.
Identifiers: ClinVar variation 1748080 (VCV001748080.2), dbSNP rs771006818, ClinGen allele CA349573704.